The following is an entry in ClinVar:

NM_004924.6(ACTN4):c.1737C>T (p.Asp579=)

Gene: ACTN4 (actinin alpha 4; plus strand). Cytogenetic location: 19q13.2.
Variant type: single nucleotide variant.
Coding change: c.1737C>T on transcript NM_004924.6 (MANE Select); coding-DNA position 1737, C replaced by T.
Protein change: p.Asp579=; no amino-acid change (aspartic acid 579 retained).
Molecular consequence: synonymous variant.
Genome position (GRCh38, 1-based): chr19:38,724,201, C>T. VCF-style: chr19-38724201-C-T. GRCh37 (hg19) VCF-style: chr19-39214841-C-T.
Other names: c.1737C>T, p.Asp579= (NM_001322033.2, NM_001411143.1).
Identifiers: ClinVar variation 3043300 (VCV003043300.3), dbSNP rs774997762, ClinGen allele CA9417766.

ClinVar aggregate classification (germline): Likely benign. Review status: criteria provided, single submitter (1 of 4 stars). 2 submissions from 2 submitters: Likely benign (1). 1 of the submissions does not count toward it. Last evaluated 2025-12-01.

Conditions:
ACTN4-related disorder. Also called: ACTN4-related condition.

Allele frequency attached by ClinVar (database versions not stated): gnomAD 0.00001; TOPMed 0.00001; gnomAD exomes 0.00002; ExAC 0.00005.
gnomAD v4.1: 27 of 1,613,772 alleles (0.0017%); highest among the groups gnomAD compares: South Asian, 0.011%; no homozygotes.

Submissions (2):

Labcorp Genetics (formerly Invitae), Labcorp
Classification: Likely benign. Last evaluated: 2025-12-01. Review status: criteria provided, single submitter. Criteria: Invitae Variant Classification Sherloc (09022015). Collection method: clinical testing. Allele origin: germline.

PreventionGenetics, part of Exact Sciences
Classification: Likely benign for ACTN4-related condition. Last evaluated: 2019-07-09. Review status: no assertion criteria provided. Collection method: clinical testing. Allele origin: germline. Not counted in ClinVar's aggregate classification.
Comment: This variant is classified as likely benign based on ACMG/AMP sequence variant interpretation guidelines (Richards et al. 2015 PMID: 25741868, with internal and published modifications).